The following is an entry in ClinVar:

NM_001042492.3(NF1):c.7439A>G (p.His2480Arg)

Gene: NF1 (neurofibromin 1; plus strand). Cytogenetic location: 17q11.2.
Variant type: single nucleotide variant.
Coding change: c.7439A>G on transcript NM_001042492.3 (MANE Select); coding-DNA position 7439, A replaced by G.
Protein change: p.His2480Arg; replaces histidine 2480 with arginine.
Molecular consequence: missense variant.
Genome position (GRCh38, 1-based): chr17:31,350,300, A>G. VCF-style: chr17-31350300-A-G. GRCh37 (hg19) VCF-style: chr17-29677318-A-G.
Other names: c.7376A>G, p.His2459Arg (NM_000267.4); short protein forms H2459R, H2480R.
Identifiers: ClinVar variation 229064 (VCV000229064.21), dbSNP rs371151718, ClinGen allele CA8487571.

ClinVar aggregate classification (germline): Conflicting classifications of pathogenicity. Review status: criteria provided, conflicting classifications (1 of 4 stars). 8 submissions from 7 submitters: Uncertain significance (5); Benign (1); Likely benign (2). Last evaluated 2026-01-30.

Conditions:
Cardiovascular phenotype. Identifiers: MedGen CN230736.
Hereditary cancer-predisposing syndrome. Also called: Hereditary Cancer Syndrome; Neoplastic Syndromes, Hereditary; Tumor predisposition; Hereditary neoplastic syndrome. Identifiers: Orphanet 140162, MedGen C0027672, MeSH D009386, MONDO:0015356.
Chromosome 17q11.2 deletion syndrome, 1.4Mb. Also called: NF1 MICRODELETION SYNDROME; Chromosome 17q11.2 deletion syndrome, 1.4 MB; NEUROFIBROMATOSIS 1 MICRODELETION SYNDROME; VAN ASPEREN SYNDROME. Identifiers: Orphanet 139474, Orphanet 636, Orphanet 97685, MedGen C5401456, MONDO:0013357, OMIM 613675.
Café-au-lait macules with pulmonary stenosis (WTSN). Also called: PULMONIC STENOSIS WITH CAFE-AU-LAIT SPOTS. Identifiers: MedGen C0553586, MONDO:0008672, OMIM 193520.
Juvenile myelomonocytic leukemia (JMML). Also called: LEUKEMIA, JUVENILE MYELOMONOCYTIC, SOMATIC. Identifiers: Orphanet 86834, MedGen C0349639, MONDO:0011908, OMIM 607785, HP:0012209.
Neurofibromatosis-Noonan syndrome (NFNS). Also called: NEUROFIBROMATOSIS WITH NOONAN PHENOTYPE. Identifiers: Orphanet 638, MedGen C2931482, MONDO:0011035, OMIM 601321. Disease mechanism: loss of function.
Neurofibromatosis, familial spinal (FSNF). Identifiers: Orphanet 636, MedGen C1834235, MONDO:0008078, OMIM 162210. Disease mechanism: loss of function.
Neurofibromatosis, type 1 (NF1). Also called: Neurofibromatosis, type I; VON RECKLINGHAUSEN DISEASE; NEUROFIBROMATOSIS, TYPE I, SOMATIC; Peripheral type neurofibromatosis. Identifiers: Orphanet 636, MedGen C0027831, MONDO:0018975, OMIM 162200. Disease mechanism: loss of function.

Allele frequency attached by ClinVar (database versions not stated): gnomAD 0.00001; gnomAD exomes 0.00001; TOPMed 0.00001; ExAC 0.00002; ESP Exome Variant Server 0.00008.
gnomAD v4.1: 13 of 1,612,626 alleles (0.00081%); highest among the groups gnomAD compares: Admixed American, 0.0017%; no homozygotes.

Submissions (8):

Labcorp Genetics (formerly Invitae), Labcorp
Classification: Benign for Neurofibromatosis, type 1. Last evaluated: 2026-01-30. Review status: criteria provided, single submitter. Criteria: Invitae Variant Classification Sherloc (09022015). Collection method: clinical testing. Allele origin: germline.

GeneDx
Classification: Uncertain significance. Last evaluated: 2023-12-10. Review status: criteria provided, single submitter. Criteria: GeneDx Variant Classification Process June 2021. Collection method: clinical testing. Allele origin: germline. Affected: yes.
Comment: Reported in an individual with a suspected RASopathy; however, no further clinical or segregation information was provided (PMID: 32107864); In silico analysis supports that this missense variant does not alter protein structure/function; Also known as c.7349A>G; This variant is associated with the following publications: (PMID: 21520333, 23656349, 25486365, 32107864)

Ambry Genetics
Classification: Likely benign for Cardiovascular phenotype; Hereditary cancer-predisposing syndrome. Last evaluated: 2023-12-08. Review status: criteria provided, single submitter. Criteria: Ambry Variant Classification Scheme 2023. Collection method: clinical testing. Allele origin: germline.

Genome-Nilou Lab
Classification: Uncertain significance for Neurofibromatosis, type 1. Last evaluated: 2022-03-15. Review status: criteria provided, single submitter. Criteria: ACMG Guidelines, 2015. Collection method: clinical testing. Allele origin: germline. Affected: no.

Fulgent Genetics
Classification: Uncertain significance for Neurofibromatosis, type 1; Neurofibromatosis, familial spinal; Café-au-lait macules with pulmonary stenosis; Neurofibromatosis-Noonan syndrome; Juvenile myelomonocytic leukemia. Last evaluated: 2022-02-17. Review status: criteria provided, single submitter. Criteria: ACMG Guidelines, 2015. Collection method: clinical testing. Allele origin: unknown.

Department of Pathology and Laboratory Medicine, Sinai Health System
Classification: Likely benign for Chromosome 17q11.2 deletion syndrome, 1.4Mb. Last evaluated: 2021-10-22. Review status: criteria provided, single submitter. Criteria: ACMG Guidelines, 2015. Collection method: research. Allele origin: germline.

Ambry Genetics
Classification: Uncertain significance for Hereditary cancer-predisposing syndrome. Last evaluated: 2015-05-14. Review status: criteria provided, single submitter. Criteria: Ambry Autosomal Dominant and X-Linked criteria (10/2015). Collection method: clinical testing. Allele origin: germline. Observed: 1 variant allele.
Comment: The p.H2480R variant (also known as c.7439A>G andc.7376A>G andp.H2459R), located in coding exon 50 of the NF1 gene, results from an A to G substitution at nucleotide position 7439. The histidine at codon 2480 is replaced by arginine, an amino acid with highly similar properties. This alteration was detected in a cohort of 1985patients who eitherhad a clinical diagnosis of neurofibromatosis type 1 (NF1)or had some clinical features of NF1 (van Minkelen R et al. Clin Genet. 2014 Apr;85(4):318-27).This variant was previously reported in the SNPDatabase as rs371151718. Based on data from the NHLBI Exome Sequencing Project (ESP), the G allele has an overall frequency of approximately 0.01% (1/13006) total alleles studied and 0.01% (1/8600) European American alleles.This variant was not reported in the 1000 Genomes Project population-based cohort. To date, this alteration has been detected with an allele frequency of approximately 0.002% (greater than 55000alleles tested) in our clinical cohort.This amino acid position is not well conserved in available vertebrate species. In addition, this alteration is predicted to be tolerated by in silico analysis.Since supporting evidence is limited at this time, the clinical significance of p.H2480Rremains unclear.

Laboratory for Molecular Medicine, Mass General Brigham Personalized Medicine
Classification: Uncertain significance. Last evaluated: 2015-03-09. Review status: criteria provided, single submitter. Criteria: LMM Criteria. Collection method: clinical testing. Allele origin: germline. Observed: 1 variant allele.
Comment: The p.His2480Arg in NF1 has not been previously reported in individuals with RAS opathy disorders, but has been identified in 2/66700 European chromosomes by the Exome Aggregation Consortium (ExAC; dbSNP rs371 151718). Computational prediction tools and conservation analysis do not provide strong support for or against an impact to the protein. In summary, the clinica l significance of the p.His2480Arg variant is uncertain.